The following is an entry in ClinVar:

NM_000051.4(ATM):c.6252G>A (p.Leu2084=)

Genes: ATM (ATM serine/threonine kinase; plus strand), C11orf65 (chromosome 11 open reading frame 65; minus strand). Cytogenetic location: 11q22.3.
Variant type: single nucleotide variant.
Coding change: c.6252G>A on transcript NM_000051.4 (MANE Select); coding-DNA position 6252, G replaced by A.
Protein change: p.Leu2084=; no amino-acid change (leucine 2084 retained).
Molecular consequence: synonymous variant. On other transcripts: intron variant (2).
Genome position (GRCh38, 1-based): chr11:108,317,426, G>A. VCF-style: chr11-108317426-G-A. GRCh37 (hg19) VCF-style: chr11-108188153-G-A.
Other names: c.6252G>A, p.Leu2084= (NM_001351834.2); c.641-8355C>T (NM_001330368.2); c.*39-8355C>T (NM_001351110.2).
Identifiers: ClinVar variation 230675 (VCV000230675.16), dbSNP rs876658700, ClinGen allele CA10579215.

ClinVar aggregate classification (germline): Benign/Likely benign. Review status: criteria provided, multiple submitters, no conflicts (2 of 4 stars). 4 submissions from 4 submitters: Benign (1); Likely benign (3). Last evaluated 2024-06-05.

Conditions:
Hereditary cancer-predisposing syndrome. Also called: Neoplastic Syndromes, Hereditary; Hereditary neoplastic syndrome; Tumor predisposition; Hereditary Cancer Syndrome. Identifiers: Orphanet 140162, MedGen C0027672, MeSH D009386, MONDO:0015356.
Familial cancer of breast. Also called: hereditary breast carcinoma; Hereditary breast cancer; BREAST CANCER, FAMILIAL. Identifiers: Orphanet 227535, MedGen C0346153, MONDO:0016419, OMIM 114480. Disease mechanism: loss of function.
Ataxia-telangiectasia syndrome (AT). Also called: Ataxia telangiectasia (A-T); Cerebello-oculocutaneous telangiectasia; Immunodeficiency with ataxia telangiectasia; LOUIS-BAR SYNDROME; AT, COMPLEMENTATION GROUP C; ATAXIA-TELANGIECTASIA, FRESNO VARIANT. Identifiers: Orphanet 100, MedGen C0004135, MONDO:0008840, OMIM 208900.

Submissions (4):

Myriad Genetics, Inc.
Classification: Benign for Familial cancer of breast. Last evaluated: 2024-06-05. Review status: criteria provided, single submitter. Criteria: Myriad Autosomal Dominant, Autosomal Recessive and X-Linked Classification Criteria (2023). Collection method: clinical testing. Allele origin: unknown.
Comment: This variant is considered benign. This variant is a silent/synonymous amino acid change and it is not expected to impact splicing.

Labcorp Genetics (formerly Invitae), Labcorp
Classification: Likely benign for Ataxia-telangiectasia syndrome. Last evaluated: 2024-04-18. Review status: criteria provided, single submitter. Criteria: Invitae Variant Classification Sherloc (09022015). Collection method: clinical testing. Allele origin: germline.

Ambry Genetics
Classification: Likely benign for Hereditary cancer-predisposing syndrome. Last evaluated: 2017-10-13. Review status: criteria provided, single submitter. Criteria: Ambry Variant Classification Scheme 2023. Collection method: clinical testing. Allele origin: germline.

Color Diagnostics, LLC DBA Color Health
Classification: Likely benign for Hereditary cancer-predisposing syndrome. Last evaluated: 2017-03-28. Review status: criteria provided, single submitter. Criteria: ACMG Guidelines, 2015. Collection method: clinical testing. Allele origin: germline.